The following is an entry in ClinVar:

NM_000092.5(COL4A4):c.1144G>A (p.Gly382Arg)

Gene: COL4A4 (collagen type IV alpha 4 chain; minus strand). Cytogenetic location: 2q36.3.
Variant type: single nucleotide variant.
Coding change: c.1144G>A on transcript NM_000092.5 (MANE Select); coding-DNA position 1144, G replaced by A.
Protein change: p.Gly382Arg; replaces glycine 382 with arginine.
Molecular consequence: missense variant.
Genome position (GRCh38, 1-based): chr2:227,098,754, C>T on the plus strand (G>A on the coding strand, the complement: COL4A4 is on the minus strand). VCF-style: chr2-227098754-C-T. GRCh37 (hg19) VCF-style: chr2-227963470-C-T.
Other names: c.1144G>A (NM_000092.4); short protein forms G382R.
Identifiers: ClinVar variation 1477798 (VCV001477798.11), dbSNP rs2150739928, ClinGen allele CA350854068.
Genomic context (GRCh38, chr2:227,098,754, plus strand): 5'-CTGCACAGGCTTCCCCTGGTCTGCCCAAGAGACCTGGGGGACCAGGTGGTCCAACATCCC[C>T]TGTTTCTCCATAGCGGCCAGGGAACCCTGGGTCCCCTGGTGGGCCTGCCAAAGATAATGG-3'
Protein context (NP_000083.3, residues 372-392): PGFPGRYGET[Gly382Arg]DVGPPGPPGL

ClinVar aggregate classification (germline): Conflicting classifications of pathogenicity. Review status: criteria provided, conflicting classifications (1 of 4 stars). 4 submissions from 4 submitters: Likely pathogenic (3); Uncertain significance (1). Last evaluated 2025-03-13.

Conditions:
Hematuria, benign familial, 1 (BFH1). Also called: THIN MEMBRANE NEPHROPATHY. Identifiers: MedGen CN376803, MONDO:0007709, OMIM 141200.
Autosomal recessive Alport syndrome (ATS2). Also called: COL4A3-Related Nephropathy; ALPORT SYNDROME 2, AUTOSOMAL RECESSIVE; Alport syndrome type 2; COL4A4 Alport Syndrome and Thin Basement Membrane Nephropathy. Identifiers: Orphanet 63, Orphanet 88919, MedGen C4746745, MONDO:0008762, OMIM 203780.
Alport syndrome. Also called: Hemorrhagic familial nephritis; Hemorrhagic hereditary nephritis; Congenital hereditary hematuria. Identifiers: Orphanet 63, MedGen C1567741, MONDO:0018965.

Submissions (4):

Myriad Genetics, Inc.
Classification: Likely pathogenic for Alport syndrome. Last evaluated: 2025-03-13. Review status: criteria provided, single submitter. Criteria: Myriad Autosomal Dominant, Autosomal Recessive and X-Linked Classification Criteria (2023). Collection method: clinical testing. Allele origin: unknown.
Comment: NM_000092.4(COL4A4):c.1144G>A(G382R) is a missense variant classified as likely pathogenic in the context of Alport syndrome, COL4A4-related. G382R has been observed in a case with relevant disease (PMID: 31328266). Relevant functional assessments of this variant are not available in the literature. Internal structural analysis of the variant is supportive of pathogenicity. G382R has not been observed in referenced population frequency databases. In summary, NM_000092.4(COL4A4):c.1144G>A(G382R) is a missense variant that has been observed more frequently in cases with the relevant disease than in healthy populations. Please note: this variant was assessed in the context of healthy population screening.

Natera, Inc.
Classification: Likely pathogenic for Alport syndrome. Last evaluated: 2024-09-30. Review status: criteria provided, single submitter. Criteria: Natera Variant Classification Schema (03/2026). Collection method: clinical testing. Allele origin: germline.
Comment: The c.1144G>A variant in COL4A4 is a missense variant predicted to cause substitution of glycine to arginine at amino acid 382. This variant is rare in the general population with a frequency below the threshold expected for the associated phenotype(s). This variant has been observed in affected individual(s) with monoallelic occurrence (heterozygous/hemizygous) (PMID: 31328266). This variant is located in a functionally critical region of the protein. A different variant at the same position has been determined to be Pathogenic or Likely Pathogenic. Computational prediction algorithms indicate this variant is likely to affect gene or protein function. Given the available evidence, this variant is classified as Likely Pathogenic.

Fulgent Genetics
Classification: Likely pathogenic for Hematuria, benign familial, 1; Autosomal recessive Alport syndrome. Last evaluated: 2024-02-13. Review status: criteria provided, single submitter. Criteria: ACMG Guidelines, 2015. Collection method: clinical testing. Allele origin: germline.

Labcorp Genetics (formerly Invitae), Labcorp
Classification: Uncertain significance. Last evaluated: 2021-03-30. Review status: criteria provided, single submitter. Criteria: Invitae Variant Classification Sherloc (09022015). Collection method: clinical testing. Allele origin: germline.
Comment: In summary, the available evidence is currently insufficient to determine the role of this variant in disease. Therefore, it has been classified as a Variant of Uncertain Significance. Advanced modeling of protein sequence and biophysical properties (such as structural, functional, and spatial information, amino acid conservation, physicochemical variation, residue mobility, and thermodynamic stability) performed at Invitae indicates that this missense variant is expected to disrupt COL4A4 protein function. This variant has been observed in individual(s) with Alport syndrome (Invitae). This variant is not present in population databases (ExAC no frequency). This sequence change replaces glycine with arginine at codon 382 of the COL4A4 protein (p.Gly382Arg). The glycine residue is highly conserved and there is a moderate physicochemical difference between glycine and arginine.

Literature cited by the submitters: PubMed 31328266 (cited by Myriad Genetics, Inc. and Natera, Inc.).